The following continues an entry in ClinVar:

NM_000256.3(MYBPC3):c.787G>A (p.Gly263Arg)

Gene: MYBPC3. ClinVar aggregate classification (germline): Conflicting classifications of pathogenicity. Uncertain significance (13); Likely benign (2).

Submissions 15 to 20 of 20:

GeneDx
Classification: Uncertain significance. Last evaluated: 2016-05-27. Review status: criteria provided, single submitter. Criteria: GeneDx Variant Classification (06012015). Collection method: clinical testing. Allele origin: germline. Affected: yes.
Comment: A variant of uncertain significance has been identified in the MYBPC3 gene. The Gly263Arg variant has been reported as a de novo variant in one patient with HCM and was absent from 120 control individuals; however, functional studies and detailed clinical information were not provided. It was not observed with any significant frequency in approximately 6,000 individuals of European and African American ancestry in the NHLBI Exome Sequencing Project10, indicating it is not a common benign variant in these populations. The Gly263Arg variant is a non-conservative amino acid substitution, which is likely to impact secondary protein structure as these residues differ in polarity, charge, size and/or other properties. However, this substitution occurs at a position that is not conserved across species and in silico analysis predicts this variant likely does not alter the protein structure/function.

CSER _CC_NCGL, University of Washington
Classification: Uncertain significance for Cardiomyopathy, hypertrophic. Last evaluated: 2014-06-01. Review status: no assertion criteria provided. Collection method: research. Allele origin: germline. Inheritance: Autosomal dominant inheritance. Study: ESP 6500 variant annotation. Not counted in ClinVar's aggregate classification.
Comment: Variants classified for the Actionable exomic incidental findings in 6503 participants: challenges of variant classification manuscript

Clinical Genetics DNA and cytogenetics Diagnostics Lab, Erasmus MC, Erasmus Medical Center
Classification: Uncertain significance. Review status: no assertion criteria provided. Collection method: clinical testing. Allele origin: germline. Affected: yes. Study: VKGL Data-share Consensus. Not counted in ClinVar's aggregate classification.

Clinical Genetics, Academic Medical Center
Classification: Uncertain significance. Review status: no assertion criteria provided. Collection method: clinical testing. Allele origin: germline. Affected: yes. Study: VKGL Data-share Consensus. Not counted in ClinVar's aggregate classification.

Genome Diagnostics Laboratory, University Medical Center Utrecht
Classification: Uncertain significance. Review status: no assertion criteria provided. Collection method: clinical testing. Allele origin: germline. Affected: yes. Study: VKGL Data-share Consensus. Not counted in ClinVar's aggregate classification.

Joint Genome Diagnostic Labs from Nijmegen and Maastricht, Radboudumc and MUMC+
Classification: Uncertain significance. Review status: no assertion criteria provided. Collection method: clinical testing. Allele origin: germline. Affected: yes. Study: VKGL Data-share Consensus. Not counted in ClinVar's aggregate classification.

Literature cited by the submitters: PubMed 15563892 (cited by 4 submitters); PubMed 30847666 (cited by Labcorp Genetics (formerly Invitae), Labcorp and Ambry Genetics); PubMed 37466024 (cited by 3 submitters); PubMed 37652022 (cited by Labcorp Genetics (formerly Invitae), Labcorp); PubMed 23283745 (cited by Ambry Genetics and Illumina Laboratory Services, Illumina); PubMed 24510615 (cited by Ambry Genetics); PubMed 25637381 (cited by Ambry Genetics); PubMed 27707468 (cited by Ambry Genetics and All of Us Research Program, National Institutes of Health); PubMed 32481709 (cited by Ambry Genetics); PubMed 32841044 (cited by Ambry Genetics and All of Us Research Program, National Institutes of Health); PubMed 33495597 (cited by Ambry Genetics and All of Us Research Program, National Institutes of Health); PubMed 34426522 (cited by Ambry Genetics); PubMed 35653365 (cited by Ambry Genetics); PubMed 37089884 (cited by Ambry Genetics and All of Us Research Program, National Institutes of Health); PubMed 33782553 (cited by All of Us Research Program, National Institutes of Health); PubMed 23299917 (cited by Illumina Laboratory Services, Illumina).